The following is an entry in ClinVar:

ClinVar aggregate classification (germline): Uncertain significance (1 of 4 stars; one submission).

Conditions:
Hereditary cancer-predisposing syndrome. Also called: Tumor predisposition; Neoplastic Syndromes, Hereditary; Hereditary Cancer Syndrome; Hereditary neoplastic syndrome. Identifiers: Orphanet 140162, MedGen C0027672, MeSH D009386, MONDO:0015356.

Submission:

Ambry Genetics
Classification: Uncertain significance for Hereditary cancer-predisposing syndrome. Last evaluated: 2024-10-12. Review status: criteria provided, single submitter. Criteria: Ambry Variant Classification Scheme 2023. Collection method: clinical testing. Allele origin: germline.
Comment: The p.D93H variant (also known as c.277G>C), located in coding exon 3 of the CDC73 gene, results from a G to C substitution at nucleotide position 277. The aspartic acid at codon 93 is replaced by histidine, an amino acid with similar properties. This amino acid position is conserved. In addition, the in silico prediction for this alteration is inconclusive. Based on the available evidence, the clinical significance of this variant remains unclear.

NM_024529.5(CDC73):c.277G>C (p.Asp93His)

Gene: CDC73 (cell division cycle 73; plus strand). Cytogenetic location: 1q31.2.
Variant type: single nucleotide variant.
Coding change: c.277G>C on transcript NM_024529.5 (MANE Select); coding-DNA position 277, G replaced by C.
Protein change: p.Asp93His; replaces aspartic acid 93 with histidine.
Molecular consequence: missense variant.
Genome position (GRCh38, 1-based): chr1:193,130,213, G>C. VCF-style: chr1-193130213-G-C. GRCh37 (hg19) VCF-style: chr1-193099343-G-C.
Other names: short protein forms D93H.
Identifiers: ClinVar variation 3488525 (VCV003488525.1).